The following is an entry in ClinVar:

NM_000260.4(MYO7A):c.6071G>C (p.Arg2024Pro)

Gene: MYO7A (myosin VIIA; plus strand). Cytogenetic location: 11q13.5.
Variant type: single nucleotide variant.
Coding change: c.6071G>C on transcript NM_000260.4 (MANE Select); coding-DNA position 6071, G replaced by C.
Protein change: p.Arg2024Pro; replaces arginine 2024 with proline.
Molecular consequence: missense variant.
Genome position (GRCh38, 1-based): chr11:77,211,171, G>C. VCF-style: chr11-77211171-G-C. GRCh37 (hg19) VCF-style: chr11-76922216-G-C.
Other names: c.5957G>C, p.Arg1986Pro (NM_001127180.2); c.5924G>C, p.Arg1975Pro (NM_001369365.1); short protein forms R1975P, R1986P, R2024P.
Identifiers: ClinVar variation 1172719 (VCV001172719.11), dbSNP rs770778096, ClinGen allele CA381935528.

ClinVar aggregate classification (germline): Conflicting classifications of pathogenicity. Review status: criteria provided, conflicting classifications (1 of 4 stars). 3 submissions from 3 submitters: Pathogenic (1); Likely pathogenic (1); Uncertain significance (1). Last evaluated 2025-09-08.

Conditions:
Usher syndrome type 1 (USH1). Also called: RETINITIS PIGMENTOSA AND CONGENITAL DEAFNESS. Identifiers: Orphanet 231169, Orphanet 886, MedGen C1568247, MONDO:0010168, OMIM 276900.

gnomAD v4.1: 2 of 1,586,244 alleles (0.00013%); highest among the groups gnomAD compares: Admixed American, 0.0036%; no homozygotes.

Submissions (3):

Labcorp Genetics (formerly Invitae), Labcorp
Classification: Pathogenic. Last evaluated: 2025-09-08. Review status: criteria provided, single submitter. Criteria: Invitae Variant Classification Sherloc (09022015). Collection method: clinical testing. Allele origin: germline.
Comment: This sequence change replaces arginine, which is basic and polar, with proline, which is neutral and non-polar, at codon 2024 of the MYO7A protein (p.Arg2024Pro). This variant is present in population databases (no rsID available, gnomAD 0.007%). This missense change has been observed in individual(s) with clinical features of autosomal recessive MYO7A-related conditions (PMID: 34828430; internal data). In at least one individual the data is consistent with being in trans (on the opposite chromosome) from a pathogenic variant. ClinVar contains an entry for this variant (Variation ID: 1172719). Invitae Evidence Modeling of protein sequence and biophysical properties (such as structural, functional, and spatial information, amino acid conservation, physicochemical variation, residue mobility, and thermodynamic stability) indicates that this missense variant is expected to disrupt MYO7A protein function with a positive predictive value of 95%. For these reasons, this variant has been classified as Pathogenic.

Blueprint Genetics
Classification: Uncertain significance. Last evaluated: 2022-08-26. Review status: criteria provided, single submitter. Criteria: ACMG Guidelines, 2015. Collection method: clinical testing. Allele origin: germline.

DBGen Ocular Genomics
Classification: Likely pathogenic for Usher syndrome type 1. Last evaluated: 2021-05-25. Review status: criteria provided, single submitter. Criteria: ACMG Guidelines, 2015. Collection method: clinical testing. Allele origin: germline. Affected: yes. Observed: 1 variant allele.

Literature cited by the submitters: PubMed 34828430 (cited by Labcorp Genetics (formerly Invitae), Labcorp).